The following is an entry in ClinVar:

NM_006231.4(POLE):c.5087G>A (p.Gly1696Glu)

Gene: POLE (DNA polymerase epsilon, catalytic subunit; minus strand). Cytogenetic location: 12q24.33.
Variant type: single nucleotide variant.
Coding change: c.5087G>A on transcript NM_006231.4 (MANE Select); coding-DNA position 5087, G replaced by A.
Protein change: p.Gly1696Glu; replaces glycine 1696 with glutamic acid.
Molecular consequence: missense variant.
Genome position (GRCh38, 1-based): chr12:132,642,263, C>T on the plus strand (G>A on the coding strand, the complement: POLE is on the minus strand). VCF-style: chr12-132642263-C-T. GRCh37 (hg19) VCF-style: chr12-133218849-C-T.
Other names: short protein forms G1696E.
Identifiers: ClinVar variation 3648582 (VCV003648582.2).
Genomic context (GRCh38, chr12:132,642,263, plus strand): 5'-ATCTCAACAGTGGCTTGGTCATCGAACTCCATGACAAGACAGTTGTCATCAGCCTCCTTT[C>T]CACCCAGGTCAGGGCGGGCTGTAGGGGACAGCCAGAGCAGGTGGTTGTGGCGCTGGAGGT-3'
Protein context (NP_006222.2, residues 1686-1706): LSPTARPDLG[Gly1696Glu]KEADDNCLVM

ClinVar aggregate classification (germline): Uncertain significance (1 of 4 stars; one submission).

Submission:

Labcorp Genetics (formerly Invitae), Labcorp
Classification: Uncertain significance. Last evaluated: 2024-04-02. Review status: criteria provided, single submitter. Criteria: Invitae Variant Classification Sherloc (09022015). Collection method: clinical testing. Allele origin: germline.
Comment: This sequence change replaces glycine, which is neutral and non-polar, with glutamic acid, which is acidic and polar, at codon 1696 of the POLE protein (p.Gly1696Glu). This variant is not present in population databases (gnomAD no frequency). This variant has not been reported in the literature in individuals affected with POLE-related conditions. Advanced modeling of protein sequence and biophysical properties (such as structural, functional, and spatial information, amino acid conservation, physicochemical variation, residue mobility, and thermodynamic stability) has been performed at Invitae for this missense variant, however the output from this modeling did not meet the statistical confidence thresholds required to predict the impact of this variant on POLE protein function. In summary, the available evidence is currently insufficient to determine the role of this variant in disease. Therefore, it has been classified as a Variant of Uncertain Significance.